The following is an entry in ClinVar:

ClinVar aggregate classification (germline): Pathogenic (1 of 4 stars; one submission).

Conditions:
Pierson syndrome. Also called: MICROCORIA-CONGENITAL NEPHROTIC SYNDROME. Identifiers: Orphanet 2670, MedGen C1836876, MONDO:0012184, OMIM 609049.
LAMB2-related infantile-onset nephrotic syndrome. Also called: NEPHROTIC SYNDROME, TYPE 5, WITHOUT OCULAR ABNORMALITIES; NEPHROTIC SYNDROME, TYPE 5, WITH OCULAR ABNORMALITIES; Nephrotic Syndrome, type 5. Identifiers: Orphanet 306507, MedGen C3280113, MONDO:0013621, OMIM 614199.

Allele frequency attached by ClinVar (database versions not stated): gnomAD exomes below 0.00001.

Submission:

Labcorp Genetics (formerly Invitae), Labcorp
Classification: Pathogenic for LAMB2-related infantile-onset nephrotic syndrome; Pierson syndrome. Last evaluated: 2022-02-09. Review status: criteria provided, single submitter. Criteria: Invitae Variant Classification Sherloc (09022015). Collection method: clinical testing. Allele origin: germline.
Comment: Algorithms developed to predict the effect of sequence changes on RNA splicing suggest that this variant may create or strengthen a splice site. This sequence change creates a premature translational stop signal (p.Trp1084*) in the LAMB2 gene. It is expected to result in an absent or disrupted protein product. Loss-of-function variants in LAMB2 are known to be pathogenic (PMID: 15367484). This variant is present in population databases (no rsID available, gnomAD 0.003%). This variant has not been reported in the literature in individuals affected with LAMB2-related conditions. For these reasons, this variant has been classified as Pathogenic.

Literature cited by the submitters: PubMed 15367484.

NM_002292.4(LAMB2):c.3251G>A (p.Trp1084Ter)

Gene: LAMB2 (laminin subunit beta 2; minus strand). Cytogenetic location: 3p21.31.
Variant type: single nucleotide variant.
Coding change: c.3251G>A on transcript NM_002292.4 (MANE Select); coding-DNA position 3251, G replaced by A.
Protein change: p.Trp1084Ter; replaces tryptophan 1084 with a stop codon.
Molecular consequence: nonsense.
Genome position (GRCh38, 1-based): chr3:49,124,471, C>T on the plus strand (G>A on the coding strand, the complement: LAMB2 is on the minus strand). VCF-style: chr3-49124471-C-T. GRCh37 (hg19) VCF-style: chr3-49161904-C-T.
Other names: short protein forms W1084*.
Identifiers: ClinVar variation 1976270 (VCV001976270.5), dbSNP rs1180200867, ClinGen allele CA352710838.